The following is an entry in ClinVar:

ClinVar aggregate classification (germline): Uncertain significance. Review status: criteria provided, multiple submitters, no conflicts (2 of 4 stars). 3 submissions from 3 submitters: Uncertain significance (3). Last evaluated 2025-05-20.

Conditions:
Proteinuria, chronic benign. Identifiers: MedGen C5394384, MONDO:0030042, OMIM 618884.
Imerslund-Grasbeck syndrome type 1 (IGS1). Also called: Megaloblastic anemia 1, Finnish type; MEGALOBLASTIC ANEMIA, 1; Imerslund-Gräsbeck syndrome 1. Identifiers: MedGen C4016819, MONDO:0100156, OMIM 261100.
Imerslund-Grasbeck syndrome. Also called: ENTEROCYTE COBALAMIN MALABSORPTION; ENTEROCYTE INTRINSIC FACTOR RECEPTOR, DEFECT OF; PERNICIOUS ANEMIA, JUVENILE, DUE TO SELECTIVE INTESTINAL MALABSORPTION OF VITAMIN B12, WITH PROTEINURIA; Megaloblastic anemia due to inborn errors of metabolism; Imerslund-Gräsbeck syndrome. Identifiers: Orphanet 35858, MedGen C4551825, MONDO:0009853.

Allele frequency attached by ClinVar (database versions not stated): ExAC 0.00009; ESP Exome Variant Server 0.00023; gnomAD 0.00040; TOPMed 0.00044.
gnomAD v4.1: 101 of 1,614,002 alleles (0.0063%); highest among the groups gnomAD compares: African/African-American, 0.12%; no homozygotes.

Submissions (3):

GeneDx
Classification: Uncertain significance. Last evaluated: 2025-05-20. Review status: criteria provided, single submitter. Criteria: GeneDx Variant Classification Process June 2021. Collection method: clinical testing. Allele origin: germline.
Comment: In silico analysis supports that this missense variant has a deleterious effect on protein structure/function; Has not been previously published as pathogenic or benign to our knowledge

Fulgent Genetics
Classification: Uncertain significance for Imerslund-Grasbeck syndrome type 1; Proteinuria, chronic benign. Last evaluated: 2024-01-09. Review status: criteria provided, single submitter. Criteria: ACMG Guidelines, 2015. Collection method: clinical testing. Allele origin: germline.

Labcorp Genetics (formerly Invitae), Labcorp
Classification: Uncertain significance for Imerslund-Grasbeck syndrome. Last evaluated: 2022-08-19. Review status: criteria provided, single submitter. Criteria: Invitae Variant Classification Sherloc (09022015). Collection method: clinical testing. Allele origin: germline.
Comment: This sequence change replaces cysteine, which is neutral and slightly polar, with arginine, which is basic and polar, at codon 2764 of the CUBN protein (p.Cys2764Arg). This variant is present in population databases (rs146256983, gnomAD 0.1%). This variant has not been reported in the literature in individuals affected with CUBN-related conditions. Algorithms developed to predict the effect of missense changes on protein structure and function (SIFT, PolyPhen-2, Align-GVGD) all suggest that this variant is likely to be disruptive. In summary, the available evidence is currently insufficient to determine the role of this variant in disease. Therefore, it has been classified as a Variant of Uncertain Significance.

NM_001081.4(CUBN):c.8290T>C (p.Cys2764Arg)

Gene: CUBN (cubilin; minus strand). Cytogenetic location: 10p13.
Variant type: single nucleotide variant.
Coding change: c.8290T>C on transcript NM_001081.4 (MANE Select); coding-DNA position 8290, T replaced by C.
Protein change: p.Cys2764Arg; replaces cysteine 2764 with arginine.
Molecular consequence: missense variant.
Genome position (GRCh38, 1-based): chr10:16,900,745, A>G on the plus strand (T>C on the coding strand, the complement: CUBN is on the minus strand). VCF-style: chr10-16900745-A-G. GRCh37 (hg19) VCF-style: chr10-16942744-A-G.
Other names: short protein forms C2764R.
Identifiers: ClinVar variation 1803641 (VCV001803641.5), dbSNP rs146256983, ClinGen allele CA5423072.